The following is an entry in ClinVar:

NM_058179.4(PSAT1):c.170A>G (p.Glu57Gly)

Gene: PSAT1 (phosphoserine aminotransferase 1; plus strand). Cytogenetic location: 9q21.2.
Variant type: single nucleotide variant.
Coding change: c.170A>G on transcript NM_058179.4 (MANE Select); coding-DNA position 170, A replaced by G.
Protein change: p.Glu57Gly; replaces glutamic acid 57 with glycine.
Molecular consequence: missense variant.
Genome position (GRCh38, 1-based): chr9:78,302,002, A>G. VCF-style: chr9-78302002-A-G. GRCh37 (hg19) VCF-style: chr9-80916918-A-G.
Other names: c.170A>G, p.Glu57Gly (NM_021154.5); short protein forms E57G.
Identifiers: ClinVar variation 976931 (VCV000976931.8), dbSNP rs754006053, ClinGen allele CA5095540.

ClinVar aggregate classification (germline): Uncertain significance. Review status: criteria provided, single submitter (1 of 4 stars). 2 submissions from 2 submitters: Uncertain significance (1). 1 of the submissions does not count toward it. Last evaluated 2022-06-13.

Conditions:
Neu-Laxova syndrome 2. Identifiers: Orphanet 2671, Orphanet 583602, MedGen C4015019, MONDO:0014466, OMIM 616038.

Allele frequency attached by ClinVar (database versions not stated): gnomAD exomes below 0.00001 and 0.00001; TOPMed below 0.00001; ExAC 0.00001.
gnomAD v4.1: 3 of 1,611,372 alleles (0.00019%); highest among the groups gnomAD compares: South Asian, 0.0022%; no homozygotes.

Submissions (2):

Labcorp Genetics (formerly Invitae), Labcorp
Classification: Uncertain significance for Neu-Laxova syndrome 2. Last evaluated: 2022-06-13. Review status: criteria provided, single submitter. Criteria: Invitae Variant Classification Sherloc (09022015). Collection method: clinical testing. Allele origin: germline.
Comment: This sequence change replaces glutamic acid, which is acidic and polar, with glycine, which is neutral and non-polar, at codon 57 of the PSAT1 protein (p.Glu57Gly). In summary, the available evidence is currently insufficient to determine the role of this variant in disease. Therefore, it has been classified as a Variant of Uncertain Significance. Experimental studies have shown that this missense change does not substantially affect PSAT1 function (PMID: 32077105). Algorithms developed to predict the effect of missense changes on protein structure and function are either unavailable or do not agree on the potential impact of this missense change (SIFT: "Tolerated"; PolyPhen-2: "Possibly Damaging"; Align-GVGD: "Class C0"). ClinVar contains an entry for this variant (Variation ID: 976931). This variant has not been reported in the literature in individuals affected with PSAT1-related conditions. This variant is present in population databases (rs754006053, gnomAD 0.003%).

Dudley Research Group, Pacific Northwest Research Institute
No classification provided. Review status: no classification provided. Collection method: research, in vivo. Allele origin: unknown, not applicable. Functional consequence: functionally_normal. Not counted in ClinVar's aggregate classification.

Literature cited by the submitters: PubMed 32077105 (cited by Labcorp Genetics (formerly Invitae), Labcorp).